The following is an entry in ClinVar:

NM_001330700.2(TOP2B):c.2968G>A (p.Val990Met)

Gene: TOP2B (DNA topoisomerase II beta; minus strand). Cytogenetic location: 3p24.2.
Variant type: single nucleotide variant.
Coding change: c.2968G>A on transcript NM_001330700.2 (MANE Select); coding-DNA position 2968, G replaced by A.
Protein change: p.Val990Met; replaces valine 990 with methionine.
Molecular consequence: missense variant.
Genome position (GRCh38, 1-based): chr3:25,619,957, C>T on the plus strand (G>A on the coding strand, the complement: TOP2B is on the minus strand). VCF-style: chr3-25619957-C-T. GRCh37 (hg19) VCF-style: chr3-25661448-C-T.
Other names: c.2953G>A, p.Val985Met (NM_001068.3); short protein forms V985M, V990M.
Identifiers: ClinVar variation 2874088 (VCV002874088.3), dbSNP rs2470326568, ClinGen allele CA351898511.

ClinVar aggregate classification (germline): Uncertain significance (1 of 4 stars; one submission).

Allele frequency attached by ClinVar (database versions not stated): gnomAD exomes below 0.00001.
gnomAD v4.1: 3 of 1,612,926 alleles (0.00019%); highest among the groups gnomAD compares: Non-Finnish European, 0.00025%; no homozygotes.

Submission:

Labcorp Genetics (formerly Invitae), Labcorp
Classification: Uncertain significance. Last evaluated: 2023-09-14. Review status: criteria provided, single submitter. Criteria: Invitae Variant Classification Sherloc (09022015). Collection method: clinical testing. Allele origin: germline.
Comment: This sequence change replaces valine, which is neutral and non-polar, with methionine, which is neutral and non-polar, at codon 985 of the TOP2B protein (p.Val985Met). This variant is not present in population databases (gnomAD no frequency). This variant has not been reported in the literature in individuals affected with TOP2B-related conditions. An algorithm developed to predict the effect of missense changes on protein structure and function (PolyPhen-2) suggests that this variant is likely to be disruptive. In summary, the available evidence is currently insufficient to determine the role of this variant in disease. Therefore, it has been classified as a Variant of Uncertain Significance.